The following is an entry in ClinVar:

ClinVar aggregate classification (germline): Conflicting classifications of pathogenicity. Review status: criteria provided, conflicting classifications (1 of 4 stars). 2 submissions from 1 submitter: Pathogenic (1); Uncertain significance (1). Last evaluated 2022-10-25.

Conditions:
Neurodevelopmental disorder with or without hyperkinetic movements and seizures, autosomal dominant. Also called: Intellectual disability, autosomal dominant 8. Identifiers: MedGen C3280282, MONDO:0013655, OMIM 614254.
Kleefstra syndrome 1 (KLEFS1). Identifiers: Orphanet 261494, MedGen C0795833, MONDO:0027407, OMIM 610253.

Submissions (2):

Labcorp Genetics (formerly Invitae), Labcorp
Classification: Uncertain significance for Neurodevelopmental disorder with or without hyperkinetic movements and seizures, autosomal dominant. Last evaluated: 2022-10-25. Review status: criteria provided, single submitter. Criteria: Invitae Variant Classification Sherloc (09022015). Collection method: clinical testing. Allele origin: germline.
Comment: In summary, the available evidence is currently insufficient to determine the role of this variant in disease. Therefore, it has been classified as a Variant of Uncertain Significance. Experimental studies and prediction algorithms are not available or were not evaluated, and the functional significance of this variant is currently unknown. This variant has not been reported in the literature in individuals affected with GRIN1-related conditions. This variant is a gross deletion of the genomic region encompassing exon(s) 3-20 of the GRIN1 gene, which includes the termination codon. This deletion extends beyond the assayed region for this gene and therefore may encompass additional genes. While this deletion is not anticipated to lead to nonsense mediated decay, it is expected to alter mRNA translation or result in a truncated protein product.

Labcorp Genetics (formerly Invitae), Labcorp
Classification: Pathogenic for Kleefstra syndrome 1. Last evaluated: 2022-10-25. Review status: criteria provided, single submitter. Criteria: Invitae Variant Classification Sherloc (09022015). Collection method: clinical testing. Allele origin: germline.
Comment: A gross deletion of the genomic region encompassing the full coding sequence of the EHMT1 gene has been identified. Loss-of-function variants in EHMT1 are known to be pathogenic (PMID: 16826528, 19264732). The boundaries of this event are unknown as they extend beyond the assayed region for this gene and therefore may encompass additional genes. A similar copy number variant has been observed in individual(s) with Kleefstra syndrome (PMID: 26833960). For these reasons, this variant has been classified as Pathogenic.

Literature cited by the submitters: PubMed 16826528; PubMed 19264732; PubMed 26833960.

NC_000009.11:g.(?_140040158)_(141016451_?)del

Genes: ANAPC2 (anaphase promoting complex subunit 2; minus strand), ARRDC1 (arrestin domain containing 1; plus strand), CACNA1B (calcium voltage-gated channel subunit alpha1 B; plus strand), CIMIP2A (ciliary microtubule inner protein 2A; minus strand), CYSRT1 (cysteine rich tail 1; plus strand) and 25 more. Cytogenetic location: 9q34.3.
Variant type: Deletion.
Identifiers: ClinVar variation 2425750 (VCV002425750.6).